The following is an entry in ClinVar:

ClinVar aggregate classification (germline): Uncertain significance. Review status: criteria provided, multiple submitters, no conflicts (2 of 4 stars). 2 submissions from 2 submitters: Uncertain significance (2). Last evaluated 2025-06-23.

Conditions:
Malignant hyperthermia, susceptibility to, 1 (MHS1). Also called: RYR1-Related Malignant Hyperthermia Susceptibility; Malignant hyperthermia suceptibility 1; Anesthesia related hyperthermia; Malignant hyperpyrexia; Fulminating hyperpyrexia; Pharmacogenic myopathy. Identifiers: Orphanet 423, MedGen C2930980, MONDO:0007783, OMIM 145600.

Allele frequency attached by ClinVar (database versions not stated): TOPMed below 0.00001; ExAC 0.00001.

Submissions (2):

Color Diagnostics, LLC DBA Color Health
Classification: Uncertain significance for Malignant hyperthermia, susceptibility to, 1. Last evaluated: 2025-06-23. Review status: criteria provided, single submitter. Criteria: ACMG Guidelines, 2015. Collection method: clinical testing. Allele origin: germline.
Comment: This missense variant replaces leucine with histidine at codon 3532 of the RYR1 protein. Computational prediction suggests that this variant may have deleterious impact on protein structure and function. To our knowledge, functional studies have not been reported for this variant. This variant has not been reported in individuals affected with RYR1-related disorders in the literature. This variant has been identified in 1/251108 chromosomes in the general population by the Genome Aggregation Database (gnomAD). The available evidence is insufficient to determine the role of this variant in disease conclusively. Therefore, this variant is classified as a Variant of Uncertain Significance.

GeneDx
Classification: Uncertain significance. Last evaluated: 2023-11-12. Review status: criteria provided, single submitter. Criteria: GeneDx Variant Classification Process June 2021. Collection method: clinical testing. Allele origin: germline. Affected: yes.
Comment: Not observed at significant frequency in large population cohorts (gnomAD); In silico analysis supports that this missense variant has a deleterious effect on protein structure/function; Has not been previously published as pathogenic or benign to our knowledge

NM_000540.3(RYR1):c.10595T>A (p.Leu3532His)

Gene: RYR1 (ryanodine receptor 1; plus strand). Cytogenetic location: 19q13.2.
Variant type: single nucleotide variant.
Coding change: c.10595T>A on transcript NM_000540.3 (MANE Select); coding-DNA position 10595, T replaced by A.
Protein change: p.Leu3532His; replaces leucine 3532 with histidine.
Molecular consequence: missense variant.
Genome position (GRCh38, 1-based): chr19:38,525,471, T>A. VCF-style: chr19-38525471-T-A. GRCh37 (hg19) VCF-style: chr19-39016111-T-A.
Other names: c.10580T>A, p.Leu3527His (NM_001042723.2); short protein forms L3527H, L3532H.
Identifiers: ClinVar variation 2446591 (VCV002446591.3), dbSNP rs748378336, ClinGen allele CA054070.